The following is an entry in ClinVar:

NM_000283.4(PDE6B):c.2526C>T (p.Gly842=)

Gene: PDE6B (phosphodiesterase 6B; plus strand). Cytogenetic location: 4p16.3.
Variant type: single nucleotide variant.
Coding change: c.2526C>T on transcript NM_000283.4 (MANE Select); coding-DNA position 2526, C replaced by T.
Protein change: p.Gly842=; no amino-acid change (glycine 842 retained).
Molecular consequence: synonymous variant. On other transcripts: missense variant (2).
Genome position (GRCh38, 1-based): chr4:670,068, C>T. VCF-style: chr4-670068-C-T. GRCh37 (hg19) VCF-style: chr4-663857-C-T.
Other names: c.2523C>T, p.Gly841= (NM_001145291.2); c.1689C>T, p.Gly563= (NM_001145292.2, NM_001379246.1, NM_001379247.1); c.1624C>T, p.Arg542Trp (NM_001350154.3); c.1306C>T, p.Arg436Trp (NM_001350155.3); short protein forms R436W, R542W.
Identifiers: ClinVar variation 349398 (VCV000349398.16), dbSNP rs61733857, ClinGen allele CA2795106.

ClinVar aggregate classification (germline): Conflicting classifications of pathogenicity. Review status: criteria provided, conflicting classifications (1 of 4 stars). 4 submissions from 3 submitters: Uncertain significance (1); Benign (3). Last evaluated 2026-02-02.

Conditions:
Congenital stationary night blindness autosomal dominant 2. Also called: NIGHT BLINDNESS, CONGENITAL STATIONARY, RAMBUSCH TYPE. Identifiers: Orphanet 215, MedGen C1876182, MONDO:0008099, OMIM 163500.
Retinitis pigmentosa (RP). Identifiers: Orphanet 791, MedGen C0035334, MeSH D012174, MONDO:0019200, OMIM 268000. Inheritance: Autosomal dominant, autosomal recessive and X linked inheritance.

Allele frequency attached by ClinVar (database versions not stated): 1000 Genomes Project 0.00379; 1000 Genomes Project 30x 0.00390; TOPMed 0.00952; ExAC 0.01154; ESP Exome Variant Server 0.01184; gnomAD 0.01240.
gnomAD v4.1: 22,481 of 1,612,750 alleles (1.4%); highest among the groups gnomAD compares: Non-Finnish European, 1.6%; 199 homozygotes.

Submissions (4):

Labcorp Genetics (formerly Invitae), Labcorp
Classification: Benign. Last evaluated: 2026-02-02. Review status: criteria provided, single submitter. Criteria: Invitae Variant Classification Sherloc (09022015). Collection method: clinical testing. Allele origin: germline.

Illumina Laboratory Services, Illumina
Classification: Uncertain significance for Retinitis pigmentosa. Last evaluated: 2018-01-12. Review status: criteria provided, single submitter. Criteria: ICSL Variant Classification Criteria 13 December 2019. Collection method: clinical testing. Allele origin: germline.

Illumina Laboratory Services, Illumina
Classification: Benign for Congenital stationary night blindness autosomal dominant 2. Last evaluated: 2018-01-12. Review status: criteria provided, single submitter. Criteria: ICSL Variant Classification Criteria 13 December 2019. Collection method: clinical testing. Allele origin: germline.
Comment: This variant was observed in the ICSL laboratory as part of a predisposition screen in an ostensibly healthy population. It had not been previously curated by ICSL or reported in the Human Gene Mutation Database (HGMD: prior to June 1st, 2018), and was therefore a candidate for classification through an automated scoring system. Utilizing variant allele frequency, disease prevalence and penetrance estimates, and inheritance mode, an automated score was calculated to assess if this variant is too frequent to cause the disease. Based on the score and internal cut-off values, a variant classified as benign is not then subjected to further curation. The score for this variant resulted in a classification of benign for this disease.

GeneDx
Classification: Benign. Last evaluated: 2015-03-03. Review status: criteria provided, single submitter. Criteria: GeneDx Variant Classification Process June 2021. Collection method: clinical testing. Allele origin: germline. Affected: yes.